The following is an entry in ClinVar:

NM_013382.7(POMT2):c.1653+5G>T

Gene: POMT2 (protein O-mannosyltransferase 2; minus strand). Cytogenetic location: 14q24.3.
Variant type: single nucleotide variant.
Coding change: c.1653+5G>T on transcript NM_013382.7 (MANE Select); 5 bases into the intron after coding-DNA position 1653, G replaced by T.
Molecular consequence: intron variant.
Genome position (GRCh38, 1-based): chr14:77,283,792, C>A on the plus strand (G>T on the coding strand, the complement: POMT2 is on the minus strand). VCF-style: chr14-77283792-C-A. GRCh37 (hg19) VCF-style: chr14-77750135-C-A.
Identifiers: ClinVar variation 1429728 (VCV001429728.5), dbSNP rs755390432, ClinGen allele CA7285785.
Genomic context (GRCh38, chr14:77,283,792, plus strand): 5'-TGATCCAAATTCATGGCTGCCCAAAAGCTCTTAGAGACGCCATGAAATGAGAAGGGGACA[C>A]ATACCCGGATCATGACCATGTGGGATTCCAGCAAGATCTCAGGAAAACTGGGCTGTAGCA-3'

ClinVar aggregate classification (germline): Uncertain significance (1 of 4 stars; one submission).

Conditions:
Muscular dystrophy-dystroglycanopathy (congenital with brain and eye anomalies), type A2. Also called: MUSCULAR DYSTROPHY-DYSTROGLYCANOPATHY (CONGENITAL WITH BRAIN AND EYE ANOMALIES), TYPE A, 2; WALKER-WARBURG SYNDROME OR MUSCLE-EYE-BRAIN DISEASE, POMT2-RELATED. Identifiers: Orphanet 588, Orphanet 899, MedGen C3150411, MONDO:0013154, OMIM 613150.
Autosomal recessive limb-girdle muscular dystrophy type 2N. Also called: MUSCULAR DYSTROPHY-DYSTROGLYCANOPATHY, LIMB-GIRDLE, POMT2-RELATED; Muscular dystrophy-dystroglycanopathy (limb-girdle), type C, 2. Identifiers: Orphanet 206559, MedGen C3150418, MONDO:0013162, OMIM 613158.
Muscular dystrophy-dystroglycanopathy (congenital with impaired intellectual development), type B, 2. Also called: MUSCULAR DYSTROPHY, CONGENITAL, POMT2-RELATED; Muscular dystrophy-dystroglycanopathy (congenital with intellectual disability), type B2. Identifiers: MedGen C3150416, MONDO:0013160, OMIM 613156.

Allele frequency attached by ClinVar (database versions not stated): TOPMed 0.00001; ExAC 0.00001; gnomAD exomes 0.00001; gnomAD 0.00002.
gnomAD v4.1: 19 of 1,599,724 alleles (0.0012%); highest among the groups gnomAD compares: Admixed American, 0.0017%; no homozygotes.

Submissions (2):

Labcorp Genetics (formerly Invitae), Labcorp
Classification: Uncertain significance for Muscular dystrophy-dystroglycanopathy (congenital with impaired intellectual development), type B, 2; Muscular dystrophy-dystroglycanopathy (congenital with brain and eye anomalies), type A2; Autosomal recessive limb-girdle muscular dystrophy type 2N. Last evaluated: 2024-03-05. Review status: criteria provided, single submitter. Criteria: Invitae Variant Classification Sherloc (09022015). Collection method: clinical testing. Allele origin: germline.
Comment: This sequence change falls in intron 15 of the POMT2 gene. It does not directly change the encoded amino acid sequence of the POMT2 protein. It affects a nucleotide within the consensus splice site. This variant is present in population databases (rs755390432, gnomAD no frequency). This variant has not been reported in the literature in individuals affected with POMT2-related conditions. ClinVar contains an entry for this variant (Variation ID: 1429728). Variants that disrupt the consensus splice site are a relatively common cause of aberrant splicing (PMID: 17576681, 9536098). Algorithms developed to predict the effect of sequence changes on RNA splicing suggest that this variant may disrupt the consensus splice site. In summary, the available evidence is currently insufficient to determine the role of this variant in disease. Therefore, it has been classified as a Variant of Uncertain Significance.

Dr. Peter K. Rogan Lab, Western University
No classification provided (evidence only). Condition: Ovarian serous cystadenocarcinoma. Review status: no classification provided. Collection method: in vitro. Allele origin: not applicable. Functional consequence: retained intron. Not counted in ClinVar's aggregate classification.

Literature cited by the submitters: PubMed 17576681 (cited by Labcorp Genetics (formerly Invitae), Labcorp); PubMed 9536098 (cited by Labcorp Genetics (formerly Invitae), Labcorp).